The following is an entry in ClinVar:

NM_000051.4(ATM):c.7725del (p.Glu2576fs)

Genes: ATM (ATM serine/threonine kinase; plus strand), C11orf65 (chromosome 11 open reading frame 65; minus strand). Cytogenetic location: 11q22.3.
Variant type: Deletion.
Coding change: c.7725del on transcript NM_000051.4 (MANE Select); coding-DNA position 7725, one base deleted (A; older notation c.7725delA).
Protein change: p.Glu2576fs; shifts the reading frame from glutamic acid 2576.
Molecular consequence: frameshift variant. On other transcripts: intron variant (2).
Genome position (GRCh38, 1-based): chr11:108,331,974, A deleted. VCF-style (leftmost placement, unchanged base first): chr11-108331973-CA-C. GRCh37 (hg19) VCF-style: chr11-108202700-CA-C.
Other names: c.7725del, p.Glu2576fs (NM_001351834.2); c.641-22903del (NM_001330368.2); c.*38+3246del (NM_001351110.2); short protein forms E2576fs.
Identifiers: ClinVar variation 2094497 (VCV002094497.4), dbSNP rs2547284372, ClinGen allele CA2580083539.

ClinVar aggregate classification (germline): Pathogenic (1 of 4 stars; one submission).

Conditions:
Ataxia-telangiectasia syndrome (AT). Also called: ATAXIA-TELANGIECTASIA, COMPLEMENTATION GROUP A; ATAXIA-TELANGIECTASIA, FRESNO VARIANT; Ataxia-telangiectasia; Ataxia-telangiectasia, complementation group E; LOUIS-BAR SYNDROME; Cerebello-oculocutaneous telangiectasia. Identifiers: Orphanet 100, MedGen C0004135, MONDO:0008840, OMIM 208900.

Submission:

Labcorp Genetics (formerly Invitae), Labcorp
Classification: Pathogenic for Ataxia-telangiectasia syndrome. Last evaluated: 2022-02-08. Review status: criteria provided, single submitter. Criteria: Invitae Variant Classification Sherloc (09022015). Collection method: clinical testing. Allele origin: germline.
Comment: For these reasons, this variant has been classified as Pathogenic. This variant has not been reported in the literature in individuals affected with ATM-related conditions. This variant is not present in population databases (gnomAD no frequency). This sequence change creates a premature translational stop signal (p.Glu2576Argfs*2) in the ATM gene. It is expected to result in an absent or disrupted protein product. Loss-of-function variants in ATM are known to be pathogenic (PMID: 23807571, 25614872).

Literature cited by the submitters: PubMed 23807571; PubMed 25614872.